The following is an entry in ClinVar:

NM_015225.3(PRUNE2):c.1041C>T (p.Leu347=)

Gene: PRUNE2 (prune homolog 2 with BCH domain; minus strand). Cytogenetic location: 9q21.2.
Variant type: single nucleotide variant.
Coding change: c.1041C>T on transcript NM_015225.3 (MANE Select); coding-DNA position 1041, C replaced by T.
Protein change: p.Leu347=; no amino-acid change (leucine 347 retained).
Molecular consequence: synonymous variant. On other transcripts: non-coding transcript variant (1).
Genome position (GRCh38, 1-based): chr9:76,711,233, G>A on the plus strand (C>T on the coding strand, the complement: PRUNE2 is on the minus strand). VCF-style: chr9-76711233-G-A. GRCh37 (hg19) VCF-style: chr9-79326149-G-A.
Other names: c.1041C>T, p.Leu347= (NM_001308047.2, NM_001308048.2).
Identifiers: ClinVar variation 2659266 (VCV002659266.24), dbSNP rs202242623, ClinGen allele CA5090449.

ClinVar aggregate classification (germline): Likely benign (1 of 4 stars; one submission).

Allele frequency attached by ClinVar (database versions not stated): ESP Exome Variant Server 0.00019; TOPMed 0.00028; 1000 Genomes Project 0.00060; 1000 Genomes Project 30x 0.00062; gnomAD exomes 0.00068; gnomAD 0.00069; ExAC 0.00076.
gnomAD v4.1: 1,093 of 1,613,842 alleles (0.068%); highest among the groups gnomAD compares: Non-Finnish European, 0.055%; 2 homozygotes.

Submission:

CeGaT Center for Human Genetics Tuebingen
Classification: Likely benign. Last evaluated: 2022-11-01. Review status: criteria provided, single submitter. Criteria: CeGaT Center For Human Genetics Tuebingen Variant Classification Criteria Version 2. Collection method: clinical testing. Allele origin: germline. Affected: yes. Observed: 1 variant allele.
Comment: PRUNE2: BP4, BP7